The following is an entry in ClinVar:

NM_004415.4(DSP):c.8498_8499insCCGCTCCGGATC (p.Arg2846_Arg2847insSerGlySerArg)

Gene: DSP (desmoplakin; plus strand). Cytogenetic location: 6p24.3.
Variant type: Insertion.
Coding change: c.8498_8499insCCGCTCCGGATC on transcript NM_004415.4 (MANE Select); coding-DNA positions 8498 to 8499, CCGCTCCGGATC inserted.
Protein change: p.Arg2846_Arg2847insSerGlySerArg.
Molecular consequence: inframe insertion.
Genome position: GRCh38 VCF-style: chr6-7585755-G-GGGATCCCGCTCC. GRCh37 (hg19) VCF-style: chr6-7585988-G-GGGATCCCGCTCC.
Other names: c.6701_6702insCCGCTCCGGATC, p.Arg2247_Arg2248insSerGlySerArg (NM_001008844.3); c.7169_7170insCCGCTCCGGATC, p.Arg2403_Arg2404insSerGlySerArg (NM_001319034.2).
Identifiers: ClinVar variation 2775387 (VCV002775387.2), dbSNP rs773419695, ClinGen allele CA3628106.

ClinVar aggregate classification (germline): Uncertain significance (1 of 4 stars; one submission).

Conditions:
Cardiomyopathy (CMYO). Also called: Cardiomyopathies. Identifiers: Orphanet 167848, MedGen C0878544, MONDO:0004994, HP:0001638. Inheritance: Various modes of inheritance.

Submission:

Color Diagnostics, LLC DBA Color Health
Classification: Uncertain significance for Cardiomyopathy. Last evaluated: 2021-11-22. Review status: criteria provided, single submitter. Criteria: ACMG Guidelines, 2015. Collection method: clinical testing. Allele origin: germline.
Comment: This variant is located in the last exon of DSP and causes a duplication of 4-amino-acid motif (Ser-Gly-Ser-Arg) in the C-terminal region of the DSP protein that contains 5 consecutive repeats of the Ser-Gly-Ser-Arg motif. Computational splicing tools suggest that this variant may not impact RNA splicing. To our knowledge, functional studies have not been reported for this variant. This variant has not been reported in individuals affected with cardiovascular disorders in the literature. A different variant with the same protein consequence (c.8508_8519dup, p.Ser2843_Arg2846dup) has been reported in an individual affected with sudden cardiac arrest (PMID: 33652119). This variant has been identified in 1/246768 chromosomes in the general population by the Genome Aggregation Database (gnomAD). The available evidence is insufficient to determine the role of this variant in disease conclusively. Therefore, this variant is classified as a Variant of Uncertain Significance.

Literature cited by the submitters: PubMed 33652119.